The following is an entry in ClinVar:

NM_018122.5(DARS2):c.663+8T>C

Gene: DARS2 (aspartyl-tRNA synthetase 2, mitochondrial; plus strand). Cytogenetic location: 1q25.1.
Variant type: single nucleotide variant.
Coding change: c.663+8T>C on transcript NM_018122.5 (MANE Select); 8 bases into the intron after coding-DNA position 663, T replaced by C.
Molecular consequence: intron variant.
Genome position (GRCh38, 1-based): chr1:173,834,527, T>C. VCF-style: chr1-173834527-T-C. GRCh37 (hg19) VCF-style: chr1-173803665-T-C.
Other names: c.663+8T>C (NM_001365212.1, NM_001365213.2).
Identifiers: ClinVar variation 137065 (VCV000137065.21), dbSNP rs73037062, ClinGen allele CA290562.

ClinVar aggregate classification (germline): Benign/Likely benign. Review status: criteria provided, multiple submitters, no conflicts (2 of 4 stars). 7 submissions from 7 submitters: Benign (4); Likely benign (2). 1 of the submissions does not count toward it. Last evaluated 2026-01-25.

Conditions:
Leukoencephalopathy with brain stem and spinal cord involvement-high lactate syndrome (LBSL). Also called: LEUKOENCEPHALOPATHY WITH BRAINSTEM AND SPINAL CORD INVOLVEMENT AND LACTATE ELEVATION, MILD; Leukoencephalopathy with Brainstem and Spinal Cord Involvement and Lactate Elevation; MITOCHONDRIAL ASPARTYL-tRNA SYNTHETASE DEFICIENCY. Identifiers: Orphanet 137898, MedGen C1970180, MONDO:0012622, OMIM 611105.

Allele frequency attached by ClinVar (database versions not stated): gnomAD exomes 0.00231 and 0.00621; ExAC 0.00745; 1000 Genomes Project 0.02416; gnomAD 0.02483 and 0.02691; 1000 Genomes Project 30x 0.02717; TOPMed 0.02840; ESP Exome Variant Server 0.02884.
gnomAD v4.1: 7,234 of 1,595,952 alleles (0.45%); highest among the groups gnomAD compares: African/African-American, 8.7%; 308 homozygotes.

Submissions (7):

Labcorp Genetics (formerly Invitae), Labcorp
Classification: Benign. Last evaluated: 2026-01-25. Review status: criteria provided, single submitter. Criteria: Invitae Variant Classification Sherloc (09022015). Collection method: clinical testing. Allele origin: germline.

Genome-Nilou Lab
Classification: Likely benign for Leukoencephalopathy with brain stem and spinal cord involvement-high lactate syndrome. Last evaluated: 2023-04-11. Review status: criteria provided, single submitter. Criteria: ACMG Guidelines, 2015. Collection method: clinical testing. Allele origin: germline. Affected: no.

Fulgent Genetics
Classification: Likely benign for Leukoencephalopathy with brain stem and spinal cord involvement-high lactate syndrome. Last evaluated: 2021-11-23. Review status: criteria provided, single submitter. Criteria: ACMG Guidelines, 2015. Collection method: clinical testing. Allele origin: unknown.

Illumina Laboratory Services, Illumina
Classification: Benign for Leukoencephalopathy with brain stem and spinal cord involvement-high lactate syndrome. Last evaluated: 2018-01-13. Review status: criteria provided, single submitter. Criteria: ICSL Variant Classification Criteria 13 December 2019. Collection method: clinical testing. Allele origin: germline.
Comment: This variant was observed in the ICSL laboratory as part of a predisposition screen in an ostensibly healthy population. It had not been previously curated by ICSL or reported in the Human Gene Mutation Database (HGMD: prior to June 1st, 2018), and was therefore a candidate for classification through an automated scoring system. Utilizing variant allele frequency, disease prevalence and penetrance estimates, and inheritance mode, an automated score was calculated to assess if this variant is too frequent to cause the disease. Based on the score and internal cut-off values, a variant classified as benign is not then subjected to further curation. The score for this variant resulted in a classification of benign for this disease.

GeneDx
Classification: Benign. Last evaluated: 2013-12-26. Review status: criteria provided, single submitter. Criteria: GeneDx Variant Classification (06012015). Collection method: clinical testing. Allele origin: germline. Affected: yes.
Comment: This variant is considered likely benign or benign based on one or more of the following criteria: it is a conservative change, it occurs at a poorly conserved position in the protein, it is predicted to be benign by multiple in silico algorithms, and/or has population frequency not consistent with disease.

Breakthrough Genomics
Classification: Benign. Review status: criteria provided, single submitter. Criteria: ACMG Guidelines, 2015. Collection method: not provided. Allele origin: germline. Inheritance: Autosomal recessive inheritance. Affected: yes.

Mayo Clinic Laboratories, Mayo Clinic
Classification: Benign. Last evaluated: 2016-03-16. Review status: no assertion criteria provided. Collection method: clinical testing. Allele origin: unknown. Not counted in ClinVar's aggregate classification.